The following is an entry in ClinVar:

NM_006509.4(RELB):c.1689C>T (p.Arg563=)

Gene: RELB (RELB proto-oncogene, NF-kB subunit; plus strand). Cytogenetic location: 19q13.32.
Variant type: single nucleotide variant.
Coding change: c.1689C>T on transcript NM_006509.4 (MANE Select); coding-DNA position 1689, C replaced by T.
Protein change: p.Arg563=; no amino-acid change (arginine 563 retained).
Molecular consequence: synonymous variant.
Genome position (GRCh38, 1-based): chr19:45,037,739, C>T. VCF-style: chr19-45037739-C-T. GRCh37 (hg19) VCF-style: chr19-45540997-C-T.
Other names: c.1689C>T (NM_006509.3).
Identifiers: ClinVar variation 1446718 (VCV001446718.11), dbSNP rs556023428, ClinGen allele CA308906955.
Genomic context (GRCh38, chr19:45,037,739, plus strand): 5'-CCCCGGGGATGGAGGCACCGCCAGCCTTGTGGGCAGCAACATGTTCCCCAATCATTACCG[C>T]GAGGCGGCCTTTGGGGGCGGCCTCCTATCCCCGGGGCCTGAAGCCACGTAGCCCCGCGAT-3'
Protein context (NP_006500.2, residues 553-573): VGSNMFPNHY[Arg563=]EAAFGGGLLS

ClinVar aggregate classification (germline): Likely benign. Review status: criteria provided, multiple submitters, no conflicts (2 of 4 stars). 3 submissions from 3 submitters: Likely benign (2). 1 of the submissions does not count toward it. Last evaluated 2025-06-15.

Conditions:
RELB-related disorder. Also called: RELB-related condition.

Allele frequency attached by ClinVar (database versions not stated): TOPMed below 0.00001; gnomAD 0.00001; gnomAD exomes 0.00001 and 0.00002; 1000 Genomes Project 30x 0.00016; 1000 Genomes Project 0.00020.
gnomAD v4.1: 24 of 1,492,928 alleles (0.0016%); highest among the groups gnomAD compares: Middle Eastern, 0.074%; no homozygotes.

Submissions (3):

Labcorp Genetics (formerly Invitae), Labcorp
Classification: Likely benign. Last evaluated: 2025-06-15. Review status: criteria provided, single submitter. Criteria: Invitae Variant Classification Sherloc (09022015). Collection method: clinical testing. Allele origin: germline.

Blueprint Genetics
Classification: Likely benign. Last evaluated: 2020-05-04. Review status: criteria provided, single submitter. Criteria: ACMG Guidelines, 2015. Collection method: clinical testing. Allele origin: germline.

PreventionGenetics, part of Exact Sciences
Classification: Likely benign for RELB-related condition. Last evaluated: 2023-12-20. Review status: no assertion criteria provided. Collection method: clinical testing. Allele origin: germline. Not counted in ClinVar's aggregate classification.
Comment: This variant is classified as likely benign based on ACMG/AMP sequence variant interpretation guidelines (Richards et al. 2015 PMID: 25741868, with internal and published modifications).